The following is an entry in ClinVar:

NM_182914.3(SYNE2):c.11342A>G (p.Asn3781Ser)

Gene: SYNE2 (spectrin repeat containing nuclear envelope protein 2; plus strand). Cytogenetic location: 14q23.2.
Variant type: single nucleotide variant.
Coding change: c.11342A>G on transcript NM_182914.3 (MANE Select); coding-DNA position 11342, A replaced by G.
Protein change: p.Asn3781Ser; replaces asparagine 3781 with serine.
Molecular consequence: missense variant.
Genome position (GRCh38, 1-based): chr14:64,080,634, A>G. VCF-style: chr14-64080634-A-G. GRCh37 (hg19) VCF-style: chr14-64547352-A-G.
Other names: c.11342A>G, p.Asn3781Ser (NM_015180.6); short protein forms N3781S.
Identifiers: ClinVar variation 963590 (VCV000963590.1), dbSNP rs746603645, ClinGen allele CA7221753.

ClinVar aggregate classification (germline): Uncertain significance (1 of 4 stars; one submission).

Conditions:
Emery-Dreifuss muscular dystrophy 5, autosomal dominant (EDMD5). Also called: EMERY-DREIFUSS MUSCULAR DYSTROPHY 5. Identifiers: Orphanet 261, MedGen C2751805, MONDO:0013072, OMIM 612999.

Allele frequency attached by ClinVar (database versions not stated): TOPMed below 0.00001; ExAC 0.00001.

Submission:

Labcorp Genetics (formerly Invitae), Labcorp
Classification: Uncertain significance for Emery-Dreifuss muscular dystrophy 5, autosomal dominant. Last evaluated: 2019-08-13. Review status: criteria provided, single submitter. Criteria: Invitae Variant Classification Sherloc (09022015). Collection method: clinical testing. Allele origin: germline.
Comment: This sequence change replaces asparagine with serine at codon 3781 of the SYNE2 protein (p.Asn3781Ser). The asparagine residue is moderately conserved and there is a small physicochemical difference between asparagine and serine. This variant is present in population databases (rs746603645, ExAC 0.001%). This variant has not been reported in the literature in individuals with SYNE2-related conditions. Algorithms developed to predict the effect of missense changes on protein structure and function are either unavailable or do not agree on the potential impact of this missense change (SIFT: "Deleterious"; PolyPhen-2: "Benign"; Align-GVGD: "Class C0"). Algorithms developed to predict the effect of sequence changes on RNA splicing suggest that this variant may create or strengthen a splice site, but this prediction has not been confirmed by published transcriptional studies. In summary, the available evidence is currently insufficient to determine the role of this variant in disease. Therefore, it has been classified as a Variant of Uncertain Significance.